The following is an entry in ClinVar:

NM_003743.5(NCOA1):c.*3A>G

Gene: NCOA1 (nuclear receptor coactivator 1; plus strand). Cytogenetic location: 2p23.3.
Variant type: single nucleotide variant.
Coding change: c.*3A>G on transcript NM_003743.5 (MANE Select); 3 bases downstream of the stop codon, A replaced by G.
Molecular consequence: 3 prime UTR variant.
Genome position (GRCh38, 1-based): chr2:24,768,394, A>G. VCF-style: chr2-24768394-A-G. GRCh37 (hg19) VCF-style: chr2-24991263-A-G.
Other names: c.*186A>G (NM_001362950.1, NM_001362952.1, NM_001362955.1 and 1 more transcripts); c.*183A>G (NM_001362954.1); c.*3A>G (NM_147233.2).
Identifiers: ClinVar variation 3357510 (VCV003357510.1).

ClinVar aggregate classification (germline): Likely benign (0 of 4 stars; one submission).

Conditions:
NCOA1-related disorder. Also called: NCOA1-related condition.

gnomAD v4.1: 70 of 1,599,944 alleles (0.0044%); highest among the groups gnomAD compares: Non-Finnish European, 0.006%; no homozygotes.

Submission:

PreventionGenetics, part of Exact Sciences
Classification: Likely benign for NCOA1-related condition. Last evaluated: 2019-08-30. Review status: no assertion criteria provided. Collection method: clinical testing. Allele origin: germline.
Comment: This variant is classified as likely benign based on ACMG/AMP sequence variant interpretation guidelines (Richards et al. 2015 PMID: 25741868, with internal and published modifications).